The following is an entry in ClinVar:

NM_001099922.3(ALG13):c.2783C>T (p.Pro928Leu)

Gene: ALG13 (ALG13 UDP-N-acetylglucosaminyltransferase subunit; plus strand). Cytogenetic location: Xq23.
Variant type: single nucleotide variant.
Coding change: c.2783C>T on transcript NM_001099922.3 (MANE Select); coding-DNA position 2783, C replaced by T.
Protein change: p.Pro928Leu; replaces proline 928 with leucine.
Molecular consequence: missense variant. On other transcripts: intron variant (5).
Genome position (GRCh38, 1-based): chrX:111,744,755, C>T. VCF-style: chrX-111744755-C-T. GRCh37 (hg19) VCF-style: chrX-110987983-C-T.
Other names: c.2549C>T, p.Pro850Leu (NM_001257231.2); c.2383+7876C>T (NM_001257237.2, NM_001257234.2, NM_001257230.2); c.2209+7876C>T (NM_001324293.1); c.2695+7876C>T (NM_001324292.2); short protein forms P850L, P928L.
Identifiers: ClinVar variation 2585462 (VCV002585462.1), dbSNP rs2526300318, ClinGen allele CA414291510.

ClinVar aggregate classification (germline): Uncertain significance (1 of 4 stars; one submission).

Conditions:
Developmental and epileptic encephalopathy, 36 (DEE36). Also called: ALG13-CDG; Epileptic encephalopathy, early infantile, 36; Congenital disorder of glycosylation, type Is. Identifiers: Orphanet 324422, MedGen C4317295, MONDO:0010472, OMIM 300884.

Submission:

Neuberg Centre For Genomic Medicine, NCGM
Classification: Uncertain significance for Developmental and epileptic encephalopathy, 36. Review status: criteria provided, single submitter. Criteria: ACMG Guidelines, 2015. Collection method: clinical testing. Allele origin: germline. Inheritance: X-linked inheritance. Affected: yes.
Comment: The c.2783C>T (p.Pro928Leu) missense variant in ALG13 gene has not been reported previously as a pathogenic variant nor as a benign variant, to our knowledge. The p.Pro928Leu variant is novel (not in any individuals) in gnomAD Exomes and 1000 Genomes. The amino acid Pro at position 928 is changed to a Leu changing protein sequence and it might alter its composition and physico-chemical properties. This variant has not been reported to the ClinVar database. The variant is predicted to be damaging by SIFT and the residue is conserved across species. The amino acid change p.Pro928Leu in ALG13 is predicted as conserved by GERP++ and PhyloP across 100 vertebrates. For these reasons, this variant has been classified as Variant of Uncertain Significance (VUS).